The following is an entry in ClinVar:

NM_001136193.2(FASTKD2):c.1877C>T (p.Thr626Ile)

Gene: FASTKD2 (FASTK mitochondrial RNA regulator 2; plus strand). Cytogenetic location: 2q33.3.
Variant type: single nucleotide variant.
Coding change: c.1877C>T on transcript NM_001136193.2 (MANE Select); coding-DNA position 1877, C replaced by T.
Protein change: p.Thr626Ile; replaces threonine 626 with isoleucine.
Molecular consequence: missense variant.
Genome position (GRCh38, 1-based): chr2:206,788,882, C>T. VCF-style: chr2-206788882-C-T. GRCh37 (hg19) VCF-style: chr2-207653606-C-T.
Other names: c.1877C>T, p.Thr626Ile (NM_001136194.2, NM_014929.4); short protein forms T626I.
Identifiers: ClinVar variation 3277750 (VCV003277750.2).

ClinVar aggregate classification (germline): Uncertain significance. Review status: criteria provided, multiple submitters, no conflicts (2 of 4 stars). 2 submissions from 2 submitters: Uncertain significance (2). Last evaluated 2026-02-27.

Conditions:
Inborn genetic diseases. Identifiers: MedGen C0950123, MeSH D030342.

gnomAD v4.1: 24 of 1,560,310 alleles (0.0015%); highest among the groups gnomAD compares: African/African-American, 0.026%; no homozygotes.

Submissions (2):

GeneDx
Classification: Uncertain significance. Last evaluated: 2026-02-27. Review status: criteria provided, single submitter. Criteria: GeneDx Variant Classification Process June 2021. Collection method: clinical testing. Allele origin: germline.
Comment: In silico analysis suggests that this missense variant does not alter protein structure/function; Has not been previously published as pathogenic or benign to our knowledge

Ambry Genetics
Classification: Uncertain significance for Inborn genetic diseases. Last evaluated: 2024-04-06. Review status: criteria provided, single submitter. Criteria: Ambry Variant Classification Scheme 2023. Collection method: clinical testing. Allele origin: germline.